The following is an entry in ClinVar:

NM_000284.4(PDHA1):c.147C>T (p.Gly49=)

Gene: PDHA1 (pyruvate dehydrogenase E1 subunit alpha 1; plus strand). Cytogenetic location: Xp22.12.
Variant type: single nucleotide variant.
Coding change: c.147C>T on transcript NM_000284.4 (MANE Select); coding-DNA position 147, C replaced by T.
Protein change: p.Gly49=; no amino-acid change (glycine 49 retained).
Molecular consequence: synonymous variant.
Genome position (GRCh38, 1-based): chrX:19,349,966, C>T. VCF-style: chrX-19349966-C-T. GRCh37 (hg19) VCF-style: chrX-19368084-C-T.
Other names: c.261C>T, p.Gly87= (NM_001173454.2); c.147C>T, p.Gly49= (NM_001173455.2, NM_001173456.2).
Identifiers: ClinVar variation 517110 (VCV000517110.5), dbSNP rs1555933449, ClinGen allele CA515485226.

ClinVar aggregate classification (germline): Likely benign. Review status: criteria provided, multiple submitters, no conflicts (2 of 4 stars). 2 submissions from 2 submitters: Likely benign (2). Last evaluated 2022-01-11.

Conditions:
Pyruvate dehydrogenase E1-alpha deficiency (PDHAD). Also called: ATAXIA, INTERMITTENT, WITH PYRUVATE DEHYDROGENASE DEFICIENCY; ATAXIA WITH LACTIC ACIDOSIS I; ATAXIA, INTERMITTENT, WITH ABNORMAL PYRUVATE METABOLISM; Ataxia, intermittent, with pyruvate dehydrogenase, or decarboxylase, deficiency. Identifiers: Orphanet 79243, MedGen C1839413, MONDO:0010717, OMIM 312170.

Allele frequency attached by ClinVar (database versions not stated): gnomAD exomes below 0.00001.

Submissions (2):

Labcorp Genetics (formerly Invitae), Labcorp
Classification: Likely benign for Pyruvate dehydrogenase E1-alpha deficiency. Last evaluated: 2022-01-11. Review status: criteria provided, single submitter. Criteria: Invitae Variant Classification Sherloc (09022015). Collection method: clinical testing. Allele origin: germline.

GeneDx
Classification: Likely benign. Last evaluated: 2017-07-26. Review status: criteria provided, single submitter. Criteria: GeneDx Variant Classification (06012015). Collection method: clinical testing. Allele origin: germline. Affected: yes.
Comment: This variant is considered likely benign or benign based on one or more of the following criteria: it is a conservative change, it occurs at a poorly conserved position in the protein, it is predicted to be benign by multiple in silico algorithms, and/or has population frequency not consistent with disease.